The following is an entry in ClinVar:

ClinVar aggregate classification (germline): Uncertain significance (1 of 4 stars; one submission).

gnomAD v4.1: 2 of 1,592,726 alleles (0.00013%); highest among the groups gnomAD compares: Non-Finnish European, 0.00017%; no homozygotes.

Submission:

Labcorp Genetics (formerly Invitae), Labcorp
Classification: Uncertain significance. Last evaluated: 2022-04-05. Review status: criteria provided, single submitter. Criteria: Invitae Variant Classification Sherloc (09022015). Collection method: clinical testing. Allele origin: germline.
Comment: In summary, the available evidence is currently insufficient to determine the role of this variant in disease. Therefore, it has been classified as a Variant of Uncertain Significance. Algorithms developed to predict the effect of missense changes on protein structure and function (SIFT, PolyPhen-2, Align-GVGD) all suggest that this variant is likely to be tolerated. This variant has not been reported in the literature in individuals affected with SLC9A3R1-related conditions. The frequency data for this variant in the population databases is considered unreliable, as metrics indicate poor data quality at this position in the gnomAD database. This sequence change replaces alanine, which is neutral and non-polar, with valine, which is neutral and non-polar, at codon 3 of the SLC9A3R1 protein (p.Ala3Val).

NM_004252.5(NHERF1):c.8C>T (p.Ala3Val)

Genes: NHERF1 (NHERF family PDZ scaffold protein 1; plus strand), SLC9A3R1-AS1 (SLC9A3R1 antisense RNA 1; minus strand), LOC130061617 (ATAC-STARR-seq lymphoblastoid silent region 8939; plus strand). Cytogenetic location: 17q25.1.
Variant type: single nucleotide variant.
Coding change: c.8C>T on transcript NM_004252.5 (MANE Select); coding-DNA position 8, C replaced by T.
Protein change: p.Ala3Val; replaces alanine 3 with valine.
Molecular consequence: missense variant. On other transcripts: non-coding transcript variant (1).
Genome position (GRCh38, 1-based): chr17:74,748,854, C>T. VCF-style: chr17-74748854-C-T. GRCh37 (hg19) VCF-style: chr17-72744993-C-T.
Other names: short protein forms A3V.
Identifiers: ClinVar variation 2955247 (VCV002955247.3), dbSNP rs769816246, ClinGen allele CA400935776.